The following is an entry in ClinVar:

NM_000283.4(PDE6B):c.1306G>T (p.Asp436Tyr)

Gene: PDE6B (phosphodiesterase 6B; plus strand). Cytogenetic location: 4p16.3.
Variant type: single nucleotide variant.
Coding change: c.1306G>T on transcript NM_000283.4 (MANE Select); coding-DNA position 1306, G replaced by T.
Protein change: p.Asp436Tyr; replaces aspartic acid 436 with tyrosine.
Molecular consequence: missense variant.
Genome position (GRCh38, 1-based): chr4:657,399, G>T. VCF-style: chr4-657399-G-T. GRCh37 (hg19) VCF-style: chr4-651188-G-T.
Other names: c.1306G>T, p.Asp436Tyr (NM_001145291.2); c.469G>T, p.Asp157Tyr (NM_001145292.2, NM_001350154.3, NM_001379246.1 and 1 more transcripts); c.151G>T, p.Asp51Tyr (NM_001350155.3); c.1306G>T (NM_000283.3); short protein forms D157Y, D436Y, D51Y.
Identifiers: ClinVar variation 2958742 (VCV002958742.4), dbSNP rs750045921, ClinGen allele CA355913868.

ClinVar aggregate classification (germline): Uncertain significance. Review status: criteria provided, multiple submitters, no conflicts (2 of 4 stars). 2 submissions from 2 submitters: Uncertain significance (2). Last evaluated 2026-07-23.

Conditions:
PDE6B-related disorder. Also called: PDE6B-related disorders; PDE6B-related disease; PDE6B-related condition.

gnomAD v4.1: 4 of 1,613,092 alleles (0.00025%); highest among the groups gnomAD compares: Admixed American, 0.0017%; no homozygotes.

Submissions (2):

PreventionGenetics, part of Exact Sciences
Classification: Uncertain significance for PDE6B-related condition. Last evaluated: 2026-07-23. Review status: criteria provided, single submitter. Criteria: ACMG Guidelines, 2015. Collection method: clinical testing. Allele origin: germline.
Comment: The PDE6B c.1306G>T variant is predicted to result in the amino acid substitution p.Asp436Tyr. To our knowledge, this variant has not been reported in the literature. This variant is present in 0.0029% of alleles in individuals of Latino descent in gnomAD. At this time, the clinical significance of this variant is uncertain due to the absence of conclusive functional and genetic evidence.

Labcorp Genetics (formerly Invitae), Labcorp
Classification: Uncertain significance. Last evaluated: 2022-12-18. Review status: criteria provided, single submitter. Criteria: Invitae Variant Classification Sherloc (09022015). Collection method: clinical testing. Allele origin: germline.
Comment: This sequence change replaces aspartic acid, which is acidic and polar, with tyrosine, which is neutral and polar, at codon 436 of the PDE6B protein (p.Asp436Tyr). This variant is present in population databases (no rsID available, gnomAD 0.003%). This variant has not been reported in the literature in individuals affected with PDE6B-related conditions. Advanced modeling of protein sequence and biophysical properties (such as structural, functional, and spatial information, amino acid conservation, physicochemical variation, residue mobility, and thermodynamic stability) has been performed at Invitae for this missense variant, however the output from this modeling did not meet the statistical confidence thresholds required to predict the impact of this variant on PDE6B protein function. In summary, the available evidence is currently insufficient to determine the role of this variant in disease. Therefore, it has been classified as a Variant of Uncertain Significance.